The following is an entry in ClinVar:

NM_000329.3(RPE65):c.353+1G>T

Gene: RPE65 (retinoid isomerohydrolase RPE65; minus strand). Cytogenetic location: 1p31.3.
Variant type: single nucleotide variant.
Coding change: c.353+1G>T on transcript NM_000329.3 (MANE Select); the canonical splice donor site of the intron after coding-DNA position 353, G replaced by T.
Molecular consequence: splice donor variant. On other transcripts: intron variant (1).
Genome position (GRCh38, 1-based): chr1:68,444,775, C>A on the plus strand (G>T on the coding strand, the complement: RPE65 is on the minus strand). VCF-style: chr1-68444775-C-A. GRCh37 (hg19) VCF-style: chr1-68910458-C-A.
Other names: c.77+1G>T (NM_001406857.1, NM_001406856.1); c.246-103G>T (NM_001406853.1); c.353+1G>T (NM_001406859.1, NM_001406860.1).
Identifiers: ClinVar variation 98865 (VCV000098865.2), dbSNP rs61752876, ClinGen allele CA226544.

ClinVar aggregate classification (germline): Likely pathogenic. Review status: criteria provided, single submitter (1 of 4 stars). 2 submissions from 2 submitters: Likely pathogenic (1). 1 of the submissions does not count toward it. Last evaluated 2026-01-28.

Conditions:
Leber congenital amaurosis 2 (LCA2). Also called: Autosomal Recessive RPE65-Related Retinal Degeneration; AMAUROSIS CONGENITA OF LEBER II. Identifiers: Orphanet 65, MedGen C1859844, MONDO:0008765, OMIM 204100. Disease mechanism: loss of function.
Retinitis pigmentosa 20 (RP20). Identifiers: Orphanet 791, MedGen C3151086, MONDO:0013425, OMIM 613794.

Submissions (2):

Labcorp Genetics (formerly Invitae), Labcorp
Classification: Likely pathogenic for Leber congenital amaurosis 2; Retinitis pigmentosa 20. Last evaluated: 2026-01-28. Review status: criteria provided, single submitter. Criteria: Invitae Variant Classification Sherloc (09022015). Collection method: clinical testing. Allele origin: germline.
Comment: This sequence change affects a donor splice site in intron 4 of the RPE65 gene. It is expected to disrupt RNA splicing. Variants that disrupt the donor or acceptor splice site typically lead to a loss of protein function (PMID: 16199547), and loss-of-function variants in RPE65 are known to be pathogenic (PMID: 9326941, 9501220, 9843205, 18632300). This variant is not present in population databases (gnomAD no frequency). This variant has not been reported in the literature in individuals affected with RPE65-related conditions. ClinVar contains an entry for this variant (Variation ID: 98865). Algorithms developed to predict the effect of sequence changes on RNA splicing suggest that this variant may disrupt the consensus splice site. In summary, the currently available evidence indicates that the variant is pathogenic, but additional data are needed to prove that conclusively. Therefore, this variant has been classified as Likely Pathogenic.

Retina International
No classification provided. Review status: no classification provided. Collection method: not provided. Allele origin: not provided. Not counted in ClinVar's aggregate classification.

Literature cited by the submitters: PubMed 16199547 (cited by Labcorp Genetics (formerly Invitae), Labcorp); PubMed 9326941 (cited by Labcorp Genetics (formerly Invitae), Labcorp); PubMed 9501220 (cited by Labcorp Genetics (formerly Invitae), Labcorp); PubMed 9843205 (cited by Labcorp Genetics (formerly Invitae), Labcorp); PubMed 18632300 (cited by Labcorp Genetics (formerly Invitae), Labcorp).